The following is an entry in ClinVar:

ClinVar aggregate classification (germline): Likely pathogenic (1 of 4 stars; one submission).

Conditions:
Primary ciliary dyskinesia 28. Also called: CILIARY DYSKINESIA, PRIMARY, 28, WITH OR WITHOUT SITUS INVERSUS. Identifiers: Orphanet 244, MedGen C3809706, MONDO:0014216, OMIM 615505.

Allele frequency attached by ClinVar (database versions not stated): gnomAD exomes below 0.00001; TOPMed 0.00001; gnomAD 0.00002.
gnomAD v4.1: 8 of 1,463,140 alleles (0.00055%); highest among the groups gnomAD compares: African/African-American, 0.0028%; no homozygotes.

Submission:

Labcorp Genetics (formerly Invitae), Labcorp
Classification: Likely pathogenic for Primary ciliary dyskinesia 28. Last evaluated: 2021-02-05. Review status: criteria provided, single submitter. Criteria: Invitae Variant Classification Sherloc (09022015). Collection method: clinical testing. Allele origin: germline.
Comment: In summary, the currently available evidence indicates that the variant is pathogenic, but additional data are needed to prove that conclusively. Therefore, this variant has been classified as Likely Pathogenic. Algorithms developed to predict the effect of sequence changes on RNA splicing suggest that this variant may disrupt the consensus splice site, but this prediction has not been confirmed by published transcriptional studies. This variant has not been reported in the literature in individuals with SPAG1-related conditions. This variant is not present in population databases (ExAC no frequency). This sequence change affects a donor splice site in intron 5 of the SPAG1 gene. It is expected to disrupt RNA splicing. Variants that disrupt the donor or acceptor splice site typically lead to a loss of protein function (PMID: 16199547), and loss-of-function variants in SPAG1 are known to be pathogenic (PMID: 24055112).

Literature cited by the submitters: PubMed 16199547; PubMed 24055112.

NM_003114.5(SPAG1):c.488+1G>A

Gene: SPAG1 (sperm associated antigen 1; plus strand). Cytogenetic location: 8q22.2.
Variant type: single nucleotide variant.
Coding change: c.488+1G>A on transcript NM_003114.5 (MANE Select); the canonical splice donor site of the intron after coding-DNA position 488, G replaced by A.
Molecular consequence: splice donor variant.
Genome position (GRCh38, 1-based): chr8:100,183,437, G>A. VCF-style: chr8-100183437-G-A. GRCh37 (hg19) VCF-style: chr8-101195665-G-A.
Other names: c.488+1G>A (NM_001374321.1, NM_172218.3).
Identifiers: ClinVar variation 1474986 (VCV001474986.8), dbSNP rs1330765503, ClinGen allele CA371801614.